The following is an entry in ClinVar:

ClinVar aggregate classification (germline): Uncertain significance (1 of 4 stars; one submission).

Submission:

GeneDx
Classification: Uncertain significance. Last evaluated: 2024-09-06. Review status: criteria provided, single submitter. Criteria: GeneDx Variant Classification Process June 2021. Collection method: clinical testing. Allele origin: germline. Affected: yes.
Comment: Not observed at significant frequency in large population cohorts (gnomAD); Frameshift variant predicted to result in protein truncation or nonsense mediated decay in a gene or region of a gene for which loss of function is not a well-established mechanism of disease; Has not been previously published as pathogenic or benign to our knowledge

NM_001395002.1(MAP4K4):c.2974del (p.Leu992fs)

Gene: MAP4K4 (mitogen-activated protein kinase kinase kinase kinase 4; plus strand). Cytogenetic location: 2q11.2.
Variant type: Deletion.
Coding change: c.2974del on transcript NM_001395002.1 (MANE Select); coding-DNA position 2974, one base deleted (C; older notation c.2974delC).
Protein change: p.Leu992fs; shifts the reading frame from leucine 992.
Molecular consequence: frameshift variant. On other transcripts: non-coding transcript variant (4).
Genome position (GRCh38, 1-based): chr2:101,873,668, C deleted. VCF-style (leftmost placement, unchanged base first): chr2-101873667-AC-A. GRCh37 (hg19) VCF-style: chr2-102490129-AC-A.
Other names: c.2539del, p.Leu847fs (NM_001242559.2); c.2527del, p.Leu843fs (NM_001242560.2); c.2617del, p.Leu873fs (NM_001384476.1); c.2806del, p.Leu936fs (NM_001384477.1); c.2296del, p.Leu766fs (NM_001384478.1); c.2734del, p.Leu912fs (NM_001384481.1); c.2287del, p.Leu763fs (NM_001384482.1); c.2569del, p.Leu857fs (NM_001384483.1); and 39 more; short protein forms L757fs, L763fs, L765fs, L766fs, L785fs, L796fs, L797fs, L808fs.
Identifiers: ClinVar variation 3767795 (VCV003767795.1).